The following is an entry in ClinVar:

ClinVar aggregate classification (germline): Likely benign (1 of 4 stars; one submission).

gnomAD v4.1: 101 of 153,520 alleles (0.066%); highest among the groups gnomAD compares: Middle Eastern, 0.34%; no homozygotes.

Submission:

CeGaT Center for Human Genetics Tuebingen
Classification: Likely benign. Last evaluated: 2025-03-01. Review status: criteria provided, single submitter. Criteria: CeGaT Center For Human Genetics Tuebingen Variant Classification Criteria Version 2. Collection method: clinical testing. Allele origin: germline. Affected: yes. Observed: 1 variant allele.
Comment: EIF4G3: BP4, BP7

NM_001391906.1(EIF4G3):c.-456+129A>C

Gene: EIF4G3 (eukaryotic translation initiation factor 4 gamma 3; minus strand). Cytogenetic location: 1p36.12.
Variant type: single nucleotide variant.
Coding change: c.-456+129A>C on transcript NM_001391906.1 (MANE Select); 129 bases into the intron after 456 bases upstream of the start codon, A replaced by C.
Molecular consequence: intron variant.
Genome position (GRCh38, 1-based): chr1:21,176,593, T>G on the plus strand (A>C on the coding strand, the complement: EIF4G3 is on the minus strand). VCF-style: chr1-21176593-T-G. GRCh37 (hg19) VCF-style: chr1-21503086-T-G.
Other names: c.-196+129A>C (NM_001391899.1, NM_001391893.1); c.-272+129A>C (NM_001391903.1); c.-333+129A>C (NM_001391894.1, NM_001391905.1, NM_001438678.1); c.-456+129A>C (NM_001391896.1, NM_001391900.1, NM_001198801.3 and 9 more transcripts); c.-726+129A>C (NM_001391897.1).
Identifiers: ClinVar variation 3777829 (VCV003777829.7).